The following is an entry in ClinVar:

ClinVar aggregate classification (germline): Uncertain significance. Review status: criteria provided, multiple submitters, no conflicts (2 of 4 stars). 2 submissions from 2 submitters: Uncertain significance (2). Last evaluated 2025-07-29.

Conditions:
Inborn genetic diseases. Identifiers: MedGen C0950123, MeSH D030342.

Allele frequency attached by ClinVar (database versions not stated): TOPMed below 0.00001.
gnomAD v4.1: 9 of 1,614,156 alleles (0.00056%); highest among the groups gnomAD compares: African/African-American, 0.0013%; no homozygotes.

Submissions (2):

Mayo Clinic Laboratories, Mayo Clinic
Classification: Uncertain significance. Last evaluated: 2025-07-29. Review status: criteria provided, single submitter. Criteria: ACMG Guidelines, 2015. Collection method: clinical testing. Allele origin: germline. Observed: 1 variant allele.
Comment: BP4

Ambry Genetics
Classification: Uncertain significance for Inborn genetic diseases. Last evaluated: 2024-01-30. Review status: criteria provided, single submitter. Criteria: Ambry Variant Classification Scheme 2023. Collection method: clinical testing. Allele origin: germline.

NM_001375808.2(LPIN2):c.1070C>T (p.Ser357Phe)

Gene: LPIN2 (lipin 2; minus strand). Cytogenetic location: 18p11.31.
Variant type: single nucleotide variant.
Coding change: c.1070C>T on transcript NM_001375808.2 (MANE Select); coding-DNA position 1070, C replaced by T.
Protein change: p.Ser357Phe; replaces serine 357 with phenylalanine.
Molecular consequence: missense variant.
Genome position (GRCh38, 1-based): chr18:2,937,790, G>A on the plus strand (C>T on the coding strand, the complement: LPIN2 is on the minus strand). VCF-style: chr18-2937790-G-A. GRCh37 (hg19) VCF-style: chr18-2937788-G-A.
Other names: p.Ser357Phe; c.1070C>T, p.Ser357Phe (NM_001375809.1, NM_014646.2); short protein forms S357F.
Identifiers: ClinVar variation 3119764 (VCV003119764.2), dbSNP rs1178431740, ClinGen allele CA401706319.